The following is an entry in ClinVar:

NM_001370259.2(MEN1):c.654+4_654+5delinsA

Gene: MEN1 (menin 1; minus strand). Cytogenetic location: 11q13.1.
Variant type: Indel.
Coding change: c.654+4_654+5delinsA on transcript NM_001370259.2 (MANE Select); bases 4 to 5 of the intron after coding-DNA position 654, TT replaced by A.
Molecular consequence: intron variant.
Genome position (GRCh38, 1-based): chr11:64,807,886-64,807,887, AA replaced by T on the plus strand (TT replaced by A on the coding strand, the reverse complement: MEN1 is on the minus strand). VCF-style: chr11-64807886-AA-T. GRCh37 (hg19) VCF-style: chr11-64575358-AA-T.
Other names: c.669+4_669+5delinsA (NM_130804.3, NM_130803.3, NM_000244.4 and 5 more transcripts); c.549+109_549+110delinsA (NM_001407148.1, NM_001407149.1, NM_001407151.1 and 2 more transcripts); c.654+4_654+5delinsA (NM_130799.3, NM_001407144.1, NM_001370260.2 and 7 more transcripts).
Identifiers: ClinVar variation 3773297 (VCV003773297.1).

ClinVar aggregate classification (germline): Likely benign (1 of 4 stars; one submission).

Conditions:
Multiple endocrine neoplasia, type 1 (MEN1). Also called: MEN I; WERMER SYNDROME; Endocrine adenomatosis multiple; MEN 1; MEA I. Identifiers: Orphanet 652, MedGen C0025267, MeSH D018761, MONDO:0007540, OMIM 131100.

Submission:

Myriad Genetics, Inc.
Classification: Likely benign for Multiple endocrine neoplasia, type 1. Last evaluated: 2024-11-01. Review status: criteria provided, single submitter. Criteria: Myriad Autosomal Dominant, Autosomal Recessive and X-Linked Classification Criteria (2023). Collection method: clinical testing. Allele origin: unknown.
Comment: This variant is considered likely benign. This variant is intronic and is not expected to impact mRNA splicing.